The following is an entry in ClinVar:

NM_015295.3(SMCHD1):c.2732T>G (p.Leu911Ter)

Gene: SMCHD1 (structural maintenance of chromosomes flexible hinge domain containing 1; plus strand). Cytogenetic location: 18p11.32.
Variant type: single nucleotide variant.
Coding change: c.2732T>G on transcript NM_015295.3 (MANE Select); coding-DNA position 2732, T replaced by G.
Protein change: p.Leu911Ter; replaces leucine 911 with a stop codon.
Molecular consequence: nonsense.
Genome position (GRCh38, 1-based): chr18:2,726,483, T>G. VCF-style: chr18-2726483-T-G. GRCh37 (hg19) VCF-style: chr18-2726481-T-G.
Other names: short protein forms L911*.
Identifiers: ClinVar variation 1455581 (VCV001455581.6), dbSNP rs2143438994, ClinGen allele CA401682507.

ClinVar aggregate classification (germline): Pathogenic (1 of 4 stars; one submission).

Conditions:
Facioscapulohumeral muscular dystrophy 2 (FSHD2). Also called: FACIOSCAPULOHUMERAL MUSCULAR DYSTROPHY 2, DIGENIC; FSHD2, DIGENIC; MUSCULAR DYSTROPHY, FACIOSCAPULOHUMERAL, TYPE 1B. Identifiers: Orphanet 269, MedGen C1834671, MONDO:0008031, OMIM 158901.

Submission:

Labcorp Genetics (formerly Invitae), Labcorp
Classification: Pathogenic for Facioscapulohumeral muscular dystrophy 2. Last evaluated: 2021-10-16. Review status: criteria provided, single submitter. Criteria: Invitae Variant Classification Sherloc (09022015). Collection method: clinical testing. Allele origin: germline.
Comment: This sequence change creates a premature translational stop signal (p.Leu911*) in the SMCHD1 gene. It is expected to result in an absent or disrupted protein product. Loss-of-function variants in SMCHD1 are known to be pathogenic (PMID: 23143600). This variant is not present in population databases (ExAC no frequency). This variant has not been reported in the literature in individuals affected with SMCHD1-related conditions. For these reasons, this variant has been classified as Pathogenic.

Literature cited by the submitters: PubMed 23143600.